The following is an entry in ClinVar:

ClinVar aggregate classification (germline): Pathogenic (1 of 4 stars; one submission).

Conditions:
Nephronophthisis. Also called: Juvenile Nephronophthisis. Identifiers: Orphanet 655, MedGen C0687120, MONDO:0019005, HP:0000090.

Submission:

Labcorp Genetics (formerly Invitae), Labcorp
Classification: Pathogenic for Nephronophthisis. Last evaluated: 2023-12-31. Review status: criteria provided, single submitter. Criteria: Invitae Variant Classification Sherloc (09022015). Collection method: clinical testing. Allele origin: unknown.
Comment: This variant is a gross deletion of the genomic region encompassing exon(s) 18-20 of the NPHP1 gene, which includes the termination codon. This deletion extends beyond the assayed region for this gene and therefore may encompass additional genes. While this deletion is not anticipated to lead to nonsense mediated decay, it is expected to alter mRNA translation or result in a truncated protein product. A similar copy number variant has been observed in individual(s) with nephronophthisis (PMID: 28002029). This variant disrupts a region of the NPHP1 protein in which other variant(s) (p.Phe715Leufs*14) have been determined to be pathogenic (Invitae). This suggests that this is a clinically significant region of the protein, and that variants that disrupt it are likely to be disease-causing. For these reasons, this variant has been classified as Pathogenic.

Literature cited by the submitters: PubMed 28002029.

NC_000002.11:g.(?_110881368)_(110886856_?)del

Gene: NPHP1 (nephrocystin 1; minus strand). Cytogenetic location: 2q13.
Variant type: Deletion.
Identifiers: ClinVar variation 3247201 (VCV003247201.1).